The following is an entry in ClinVar:

ClinVar aggregate classification (germline): Benign (1 of 4 stars; one submission).

Submission:

GeneDx
Classification: Benign. Last evaluated: 2018-06-19. Review status: criteria provided, single submitter. Criteria: GeneDx Variant Classification (06012015). Collection method: clinical testing. Allele origin: germline. Affected: yes.
Comment: This variant is considered likely benign or benign based on one or more of the following criteria: it is a conservative change, it occurs at a poorly conserved position in the protein, it is predicted to be benign by multiple in silico algorithms, and/or has population frequency not consistent with disease.

NM_001972.4(ELANE):c.68-107_68-85del

Gene: ELANE (elastase, neutrophil expressed; plus strand). Cytogenetic location: 19p13.3.
Variant type: Microsatellite.
Coding change: c.68-107_68-85del on transcript NM_001972.4 (MANE Select); 107 bases into the intron before coding-DNA position 68 through 85 bases into the intron before coding-DNA position 68, 23 bases deleted (CGGTGGGGGATCCCGTGGGTTCC).
Molecular consequence: intron variant.
Genome position (GRCh38, 1-based): chr19:852,769-852,791, CGGTGGGGGATCCCGTGGGTTCC deleted; deleting any 23 consecutive bases within chr19:852,731-852,791 gives the same sequence; the c. name uses the placement nearest the transcript's 3' end. VCF-style (leftmost placement, unchanged base first): chr19-852730-CGATCCCGTGGGTTCCCGGTGGGG-C. GRCh37 (hg19) VCF-style: chr19-852730-CGATCCCGTGGGTTCCCGGTGGGG-C.
Identifiers: ClinVar variation 670422 (VCV000670422.1), dbSNP rs200116667, ClinGen allele CA303942514.